The following is an entry in ClinVar:

ClinVar aggregate classification (germline): Uncertain significance. Review status: criteria provided, multiple submitters, no conflicts (2 of 4 stars). 3 submissions from 3 submitters: Uncertain significance (3). Last evaluated 2026-06-23.

Conditions:
Inborn genetic diseases. Identifiers: MedGen C0950123, MeSH D030342.

Allele frequency attached by ClinVar (database versions not stated): gnomAD 0.00003; TOPMed 0.00003; gnomAD exomes 0.00001; ESP Exome Variant Server 0.00008.
gnomAD v4.1: 14 of 1,613,672 alleles (0.00087%); highest among the groups gnomAD compares: African/African-American, 0.017%; no homozygotes.

Submissions (3):

Ambry Genetics
Classification: Uncertain significance for Inborn genetic diseases. Last evaluated: 2026-06-23. Review status: criteria provided, single submitter. Criteria: Ambry Variant Classification Scheme 2023. Collection method: clinical testing. Allele origin: germline.

Labcorp Genetics (formerly Invitae), Labcorp
Classification: Uncertain significance. Last evaluated: 2025-07-31. Review status: criteria provided, single submitter. Criteria: Invitae Variant Classification Sherloc (09022015). Collection method: clinical testing. Allele origin: germline.
Comment: This sequence change replaces serine, which is neutral and polar, with arginine, which is basic and polar, at codon 3503 of the USH2A protein (p.Ser3503Arg). This variant is present in population databases (rs139502089, gnomAD 0.02%). This variant has not been reported in the literature in individuals affected with USH2A-related conditions. ClinVar contains an entry for this variant (Variation ID: 2166014). Invitae Evidence Modeling of protein sequence and biophysical properties (such as structural, functional, and spatial information, amino acid conservation, physicochemical variation, residue mobility, and thermodynamic stability) indicates that this missense variant is not expected to disrupt USH2A protein function with a negative predictive value of 95%. In summary, the available evidence is currently insufficient to determine the role of this variant in disease. Therefore, it has been classified as a Variant of Uncertain Significance.

Blueprint Genetics
Classification: Uncertain significance. Last evaluated: 2022-02-21. Review status: criteria provided, single submitter. Criteria: ACMG Guidelines, 2015. Collection method: clinical testing. Allele origin: germline.

NM_206933.4(USH2A):c.10509T>A (p.Ser3503Arg)

Gene: USH2A (usherin; minus strand). Cytogenetic location: 1q41.
Variant type: single nucleotide variant.
Coding change: c.10509T>A on transcript NM_206933.4 (MANE Select); coding-DNA position 10509, T replaced by A.
Protein change: p.Ser3503Arg; replaces serine 3503 with arginine.
Molecular consequence: missense variant.
Genome position (GRCh38, 1-based): chr1:215,782,814, A>T on the plus strand (T>A on the coding strand, the complement: USH2A is on the minus strand). VCF-style: chr1-215782814-A-T. GRCh37 (hg19) VCF-style: chr1-215956156-A-T.
Other names: c.10509T>A (NM_206933.2); short protein forms S3503R.
Identifiers: ClinVar variation 2166014 (VCV002166014.5), dbSNP rs139502089, ClinGen allele CA37437904.
Genomic context (GRCh38, chr1:215,782,814, plus strand): 5'-TTTTCTCCAGTTTAAGACAATTGTATCTTCAAGATTGTCTATTTTGGTCCACGTAGGGGG[A>T]CTCACTCCTTGAGGCACATCTTCTTTTGTTCTGGCTCTCACAGCTTTGCTGAGTCCTCGC-3'
Protein context (NP_996816.3, residues 3493-3513): RTKEDVPQGV[Ser3503Arg]PPTWTKIDNL